The following is an entry in ClinVar:

NM_005515.4(MNX1):c.233C>T (p.Pro78Leu)

Gene: MNX1 (motor neuron and pancreas homeobox 1; minus strand). Cytogenetic location: 7q36.3.
Variant type: single nucleotide variant.
Coding change: c.233C>T on transcript NM_005515.4 (MANE Select); coding-DNA position 233, C replaced by T.
Protein change: p.Pro78Leu; replaces proline 78 with leucine.
Molecular consequence: missense variant.
Genome position (GRCh38, 1-based): chr7:157,010,118, G>A on the plus strand (C>T on the coding strand, the complement: MNX1 is on the minus strand). VCF-style: chr7-157010118-G-A. GRCh37 (hg19) VCF-style: chr7-156802812-G-A.
Other names: short protein forms P78L.
Identifiers: ClinVar variation 3675646 (VCV003675646.2).
Genomic context (GRCh38, chr7:157,010,118, plus strand): 5'-CCCAGGAAGCCCGGCTTGGGCAGCAGCGCGCAGTGCGCGGCCAGCAGGCGCGGCGGCGAC[G>A]GGCTCTCGGCGCGCAGGCGGTCGGCGGGCGCAGCCGGCGGCTCCGAGGACGCGGGGCTGC-3'
Protein context (NP_005506.3, residues 68-88): APADRLRAES[Pro78Leu]SPPRLLAAHC

ClinVar aggregate classification (germline): Uncertain significance (1 of 4 stars; one submission).

gnomAD v4.1: 1 of 998,906 alleles (0.0001%); highest among the groups gnomAD compares: Non-Finnish European, 0.00012%; no homozygotes.

Submission:

Labcorp Genetics (formerly Invitae), Labcorp
Classification: Uncertain significance. Last evaluated: 2024-04-30. Review status: criteria provided, single submitter. Criteria: Invitae Variant Classification Sherloc (09022015). Collection method: clinical testing. Allele origin: germline.
Comment: This sequence change replaces proline, which is neutral and non-polar, with leucine, which is neutral and non-polar, at codon 78 of the MNX1 protein (p.Pro78Leu). The frequency data for this variant in the population databases is considered unreliable, as metrics indicate insufficient coverage at this position in the gnomAD database. This variant has not been reported in the literature in individuals affected with MNX1-related conditions. Advanced modeling of protein sequence and biophysical properties (such as structural, functional, and spatial information, amino acid conservation, physicochemical variation, residue mobility, and thermodynamic stability) performed at Invitae indicates that this missense variant is not expected to disrupt MNX1 protein function with a negative predictive value of 80%. In summary, the available evidence is currently insufficient to determine the role of this variant in disease. Therefore, it has been classified as a Variant of Uncertain Significance.